The following is an entry in ClinVar:

ClinVar aggregate classification (germline): Uncertain significance (0 of 4 stars; one submission).

Conditions:
FOXC1-related disorder. Also called: FOXC1-related condition.

Submission:

PreventionGenetics, part of Exact Sciences
Classification: Uncertain significance for FOXC1-related condition. Last evaluated: 2024-08-14. Review status: no assertion criteria provided. Collection method: clinical testing. Allele origin: germline.
Comment: The FOXC1 c.284C>G variant is predicted to result in the amino acid substitution p.Pro95Arg. To our knowledge, this variant has not been reported in the literature. At this time, the clinical significance of this variant is uncertain due to the absence of conclusive functional and genetic evidence.

NM_001453.3(FOXC1):c.284C>G (p.Pro95Arg)

Genes: FOXC1 (forkhead box C1; plus strand), LOC129995601 (ATAC-STARR-seq lymphoblastoid active region 23864; plus strand). Cytogenetic location: 6p25.3.
Variant type: single nucleotide variant.
Coding change: c.284C>G on transcript NM_001453.3 (MANE Select); coding-DNA position 284, C replaced by G.
Protein change: p.Pro95Arg; replaces proline 95 with arginine.
Molecular consequence: missense variant.
Genome position (GRCh38, 1-based): chr6:1,610,729, C>G. VCF-style: chr6-1610729-C-G. GRCh37 (hg19) VCF-style: chr6-1610964-C-G.
Other names: short protein forms P95R.
Identifiers: ClinVar variation 3347889 (VCV003347889.1).